The following is an entry in ClinVar:

ClinVar aggregate classification (germline): Uncertain significance. Review status: criteria provided, multiple submitters, no conflicts (2 of 4 stars). 2 submissions from 2 submitters: Uncertain significance (2). Last evaluated 2026-09-14.

Conditions:
Kabuki syndrome. Also called: Kabuki make-up syndrome; NIIKAWA-KUROKI SYNDROME. Identifiers: Orphanet 2322, MedGen C0796004, MONDO:0016512.
KMT2D-related disorder. Also called: KMT2D-Related Disorders.

gnomAD v4.1: 1 of 1,584,944 alleles (0.000063%); highest among the groups gnomAD compares: Admixed American, 0.0017%; no homozygotes.

Submissions (2):

PreventionGenetics, part of Exact Sciences
Classification: Uncertain significance for KMT2D-related condition. Last evaluated: 2026-09-14. Review status: criteria provided, single submitter. Criteria: ACMG Guidelines, 2015. Collection method: clinical testing. Allele origin: germline.
Comment: The KMT2D c.2075C>T variant is predicted to result in the amino acid substitution p.Pro692Leu. To our knowledge, this variant has not been reported in the literature or in a large population database (gnomAD), indicating this variant is rare. At this time, the clinical significance of this variant is uncertain due to the absence of conclusive functional and genetic evidence.

Labcorp Genetics (formerly Invitae), Labcorp
Classification: Uncertain significance for Kabuki syndrome. Last evaluated: 2024-07-31. Review status: criteria provided, single submitter. Criteria: Invitae Variant Classification Sherloc (09022015). Collection method: clinical testing. Allele origin: germline.
Comment: This sequence change replaces proline, which is neutral and non-polar, with leucine, which is neutral and non-polar, at codon 692 of the KMT2D protein (p.Pro692Leu). This variant is not present in population databases (gnomAD no frequency). This variant has not been reported in the literature in individuals affected with KMT2D-related conditions. Advanced modeling of protein sequence and biophysical properties (such as structural, functional, and spatial information, amino acid conservation, physicochemical variation, residue mobility, and thermodynamic stability) performed at Invitae indicates that this missense variant is not expected to disrupt KMT2D protein function with a negative predictive value of 95%. In summary, the available evidence is currently insufficient to determine the role of this variant in disease. Therefore, it has been classified as a Variant of Uncertain Significance.

NM_003482.4(KMT2D):c.2075C>T (p.Pro692Leu)

Gene: KMT2D (lysine methyltransferase 2D; minus strand). Cytogenetic location: 12q13.12.
Variant type: single nucleotide variant.
Coding change: c.2075C>T on transcript NM_003482.4 (MANE Select); coding-DNA position 2075, C replaced by T.
Protein change: p.Pro692Leu; replaces proline 692 with leucine.
Molecular consequence: missense variant.
Genome position (GRCh38, 1-based): chr12:49,051,608, G>A on the plus strand (C>T on the coding strand, the complement: KMT2D is on the minus strand). VCF-style: chr12-49051608-G-A. GRCh37 (hg19) VCF-style: chr12-49445391-G-A.
Other names: short protein forms P692L.
Identifiers: ClinVar variation 3705531 (VCV003705531.3).